The following is an entry in ClinVar:

NM_032380.5(GFM2):c.1376G>A (p.Arg459His)

Gene: GFM2 (GTP dependent ribosome recycling factor mitochondrial 2; minus strand). Cytogenetic location: 5q13.3.
Variant type: single nucleotide variant.
Coding change: c.1376G>A on transcript NM_032380.5 (MANE Select); coding-DNA position 1376, G replaced by A.
Protein change: p.Arg459His; replaces arginine 459 with histidine.
Molecular consequence: missense variant. On other transcripts: non-coding transcript variant (1).
Genome position (GRCh38, 1-based): chr5:74,736,930, C>T on the plus strand (G>A on the coding strand, the complement: GFM2 is on the minus strand). VCF-style: chr5-74736930-C-T. GRCh37 (hg19) VCF-style: chr5-74032755-C-T.
Other names: p.R459H:CGT>CAT; c.1472G>A, p.Arg491His (NM_001281302.2); c.1376G>A, p.Arg459His (NM_170681.3); c.1235G>A, p.Arg412His (NM_170691.3); short protein forms R459H, R412H, R491H.
Identifiers: ClinVar variation 214519 (VCV000214519.7), dbSNP rs769129792, ClinGen allele CA321218.

ClinVar aggregate classification (germline): Uncertain significance. Review status: criteria provided, multiple submitters, no conflicts (2 of 4 stars). 2 submissions from 2 submitters: Uncertain significance (2). Last evaluated 2025-07-30.

Allele frequency attached by ClinVar (database versions not stated): TOPMed 0.00001; ExAC 0.00002; gnomAD exomes 0.00002 and 0.00004.
gnomAD v4.1: 29 of 1,613,732 alleles (0.0018%); highest among the groups gnomAD compares: Middle Eastern, 0.017%; no homozygotes.

Submissions (2):

Labcorp Genetics (formerly Invitae), Labcorp
Classification: Uncertain significance. Last evaluated: 2025-07-30. Review status: criteria provided, single submitter. Criteria: Invitae Variant Classification Sherloc (09022015). Collection method: clinical testing. Allele origin: germline.
Comment: This sequence change replaces arginine, which is basic and polar, with histidine, which is basic and polar, at codon 459 of the GFM2 protein (p.Arg459His). This variant is present in population databases (rs769129792, gnomAD 0.02%). This variant has not been reported in the literature in individuals affected with GFM2-related conditions. ClinVar contains an entry for this variant (Variation ID: 214519). An algorithm developed to predict the effect of missense changes on protein structure and function outputs the following: PolyPhen-2: "Benign". The histidine amino acid residue is found in multiple mammalian species, which suggests that this missense change does not adversely affect protein function. In summary, the available evidence is currently insufficient to determine the role of this variant in disease. Therefore, it has been classified as a Variant of Uncertain Significance.

GeneDx
Classification: Uncertain significance. Last evaluated: 2014-10-02. Review status: criteria provided, single submitter. Criteria: GeneDx Variant Classification (06012015). Collection method: clinical testing. Allele origin: germline. Affected: yes.
Comment: p.Arg459His (CGT>CAT): c.1376 G>A in exon 15 of the GFM2 gene (NM_032380.3). The R459H variant has not been published as a mutation, nor has it been reported as a benign polymorphism to our knowledge. The R459H variant is a conservative amino acid substitution, which is not likely to impact secondary protein structure as these residues share similar properties. This substitution occurs at a position that is conserved across species. In silico analysis is inconsistent in its predictions as to whether or not the variant is damaging to the protein structure/function. Therefore, based on the currently available information, it is unclear whether this variant is a pathogenic mutation or a rare benign variant. The variant is found in MITONUC-MITOP panel(s).